The following is an entry in ClinVar:

NM_005233.6(EPHA3):c.2649G>A (p.Arg883=)

Gene: EPHA3 (EPH receptor A3; plus strand). Cytogenetic location: 3p11.1.
Variant type: single nucleotide variant.
Coding change: c.2649G>A on transcript NM_005233.6 (MANE Select); coding-DNA position 2649, G replaced by A.
Protein change: p.Arg883=; no amino-acid change (arginine 883 retained).
Molecular consequence: synonymous variant.
Genome position (GRCh38, 1-based): chr3:89,450,329, G>A. VCF-style: chr3-89450329-G-A. GRCh37 (hg19) VCF-style: chr3-89499479-G-A.
Other names: c.2649G>A, p.Arg883= (NM_001410778.1).
Identifiers: ClinVar variation 3035334 (VCV003035334.2), dbSNP rs145084709, ClinGen allele CA2502894.
Genomic context (GRCh38, chr3:89,450,329, plus strand): 5'-AGACAGGAACAACAGACCCAAGTTTGAGCAGATTGTTAGTATTCTGGACAAGCTTATCCG[G>A]AATCCCGGCAGCCTGAAGATCATCACCAGTGCAGCCGCAAGGTGACACATTCAATTTGTT-3'
Protein context (NP_005224.2, residues 873-893): QIVSILDKLI[Arg883=]NPGSLKIITS

ClinVar aggregate classification (germline): Likely benign (0 of 4 stars; one submission).

Conditions:
EPHA3-related disorder. Also called: EPHA3-related condition.

Allele frequency attached by ClinVar (database versions not stated): gnomAD exomes 0.00011; ExAC 0.00031; 1000 Genomes Project 0.00100; 1000 Genomes Project 30x 0.00109; gnomAD 0.00130; ESP Exome Variant Server 0.00146; TOPMed 0.00146.
gnomAD v4.1: 369 of 1,613,584 alleles (0.023%); highest among the groups gnomAD compares: African/African-American, 0.45%; no homozygotes.

Submission:

PreventionGenetics, part of Exact Sciences
Classification: Likely benign for EPHA3-related condition. Last evaluated: 2019-08-10. Review status: no assertion criteria provided. Collection method: clinical testing. Allele origin: germline.
Comment: This variant is classified as likely benign based on ACMG/AMP sequence variant interpretation guidelines (Richards et al. 2015 PMID: 25741868, with internal and published modifications).